The following is an entry in ClinVar:

ClinVar aggregate classification (germline): Pathogenic (1 of 4 stars; one submission).

Allele frequency attached by ClinVar (database versions not stated): gnomAD exomes below 0.00001.

Submission:

Labcorp Genetics (formerly Invitae), Labcorp
Classification: Pathogenic. Last evaluated: 2023-01-24. Review status: criteria provided, single submitter. Criteria: Invitae Variant Classification Sherloc (09022015). Collection method: clinical testing. Allele origin: germline.
Comment: This sequence change creates a premature translational stop signal (p.Ile385Asnfs*21) in the GLE1 gene. It is expected to result in an absent or disrupted protein product. Loss-of-function variants in GLE1 are known to be pathogenic (PMID: 18204449, 24243016, 27684565). For these reasons, this variant has been classified as Pathogenic. ClinVar contains an entry for this variant (Variation ID: 961131). This variant has not been reported in the literature in individuals affected with GLE1-related conditions. This variant is not present in population databases (gnomAD no frequency).

Literature cited by the submitters: PubMed 18204449; PubMed 24243016; PubMed 27684565.

NM_001003722.2(GLE1):c.1153dup (p.Ile385fs)

Gene: GLE1 (GLE1 RNA export mediator; plus strand). Cytogenetic location: 9q34.11.
Variant type: Duplication.
Coding change: c.1153dup on transcript NM_001003722.2 (MANE Select); coding-DNA position 1153, one base duplicated (A; older notation c.1153dupA).
Protein change: p.Ile385fs; shifts the reading frame from isoleucine 385.
Molecular consequence: frameshift variant.
Genome position (GRCh38, 1-based): chr9:128,527,202, A duplicated. VCF-style (leftmost placement, unchanged base first): chr9-128527201-C-CA. GRCh37 (hg19) VCF-style: chr9-131289480-C-CA.
Other names: c.1153dup, p.Ile385fs (NM_001499.2); short protein forms I385fs.
Identifiers: ClinVar variation 961131 (VCV000961131.7), dbSNP rs1847325791, ClinGen allele CA1139661240.